The following is an entry in ClinVar:

ClinVar aggregate classification (germline): Uncertain significance (1 of 4 stars; one submission).

gnomAD v4.1: 3 of 1,551,588 alleles (0.00019%); highest among the groups gnomAD compares: Non-Finnish European, 0.00026%; no homozygotes.

Submission:

Labcorp Genetics (formerly Invitae), Labcorp
Classification: Uncertain significance. Last evaluated: 2025-09-01. Review status: criteria provided, single submitter. Criteria: Invitae Variant Classification Sherloc (09022015). Collection method: clinical testing. Allele origin: germline.
Comment: This sequence change replaces threonine, which is neutral and polar, with isoleucine, which is neutral and non-polar, at codon 294 of the FOXI3 protein (p.Thr294Ile). This variant is not present in population databases (gnomAD no frequency). This variant has not been reported in the literature in individuals affected with FOXI3-related conditions. Experimental studies and prediction algorithms are not available or were not evaluated, and the functional significance of this variant is currently unknown. In summary, the available evidence is currently insufficient to determine the role of this variant in disease. Therefore, it has been classified as a Variant of Uncertain Significance.

NM_001135649.3(FOXI3):c.881C>T (p.Thr294Ile)

Gene: FOXI3 (forkhead box I3; minus strand). Cytogenetic location: 2p11.2.
Variant type: single nucleotide variant.
Coding change: c.881C>T on transcript NM_001135649.3 (MANE Select); coding-DNA position 881, C replaced by T.
Protein change: p.Thr294Ile; replaces threonine 294 with isoleucine.
Molecular consequence: missense variant.
Genome position (GRCh38, 1-based): chr2:88,448,589, G>A on the plus strand (C>T on the coding strand, the complement: FOXI3 is on the minus strand). VCF-style: chr2-88448589-G-A. GRCh37 (hg19) VCF-style: chr2-88748108-G-A.
Other names: short protein forms T294I.
Identifiers: ClinVar variation 4740594 (VCV004740594.1).